The following is an entry in ClinVar:

ClinVar aggregate classification (germline): Uncertain significance. Review status: criteria provided, multiple submitters, no conflicts (2 of 4 stars). 3 submissions from 3 submitters: Uncertain significance (3). Last evaluated 2025-12-23.

Conditions:
Christianson syndrome (MRXSCH). Also called: X-linked mental retardation, syndromic, Christianson type; SLC9A6-Related Syndromic Mental Retardation; INTELLECTUAL DEVELOPMENTAL DISORDER, X-LINKED, SYNDROMIC, CHRISTIANSON TYPE. Identifiers: Orphanet 85278, MedGen C2678194, MONDO:0010278, OMIM 300243.

Allele frequency attached by ClinVar (database versions not stated): gnomAD exomes below 0.00001; TOPMed below 0.00001.
gnomAD v4.1: 2 of 1,209,857 alleles (0.00017%); highest among the groups gnomAD compares: Non-Finnish European, 0.00011%; no homozygotes.

Submissions (3):

Labcorp Genetics (formerly Invitae), Labcorp
Classification: Uncertain significance for Christianson syndrome. Last evaluated: 2025-12-23. Review status: criteria provided, single submitter. Criteria: Invitae Variant Classification Sherloc (09022015). Collection method: clinical testing. Allele origin: germline.
Comment: This sequence change replaces alanine, which is neutral and non-polar, with serine, which is neutral and polar, at codon 212 of the SLC9A6 protein (p.Ala212Ser). This variant is not present in population databases (gnomAD no frequency). This variant has not been reported in the literature in individuals affected with SLC9A6-related conditions. ClinVar contains an entry for this variant (Variation ID: 1310457). Invitae Evidence Modeling of protein sequence and biophysical properties (such as structural, functional, and spatial information, amino acid conservation, physicochemical variation, residue mobility, and thermodynamic stability) indicates that this missense variant is not expected to disrupt SLC9A6 protein function with a negative predictive value of 80%. In summary, the available evidence is currently insufficient to determine the role of this variant in disease. Therefore, it has been classified as a Variant of Uncertain Significance.

Blueprint Genetics
Classification: Uncertain significance. Last evaluated: 2024-09-14. Review status: criteria provided, single submitter. Criteria: ACMG Guidelines, 2015. Collection method: clinical testing. Allele origin: germline.

GeneDx
Classification: Uncertain significance. Last evaluated: 2021-01-11. Review status: criteria provided, single submitter. Criteria: GeneDx Variant Classification Process June 2021. Collection method: clinical testing. Allele origin: germline. Affected: yes.
Comment: Not observed in large population cohorts (Lek et al., 2016); In silico analysis supports that this missense variant does not alter protein structure/function; Has not been previously published as pathogenic or benign to our knowledge

NM_001379110.1(SLC9A6):c.574G>T (p.Ala192Ser)

Gene: SLC9A6 (solute carrier family 9 member A6; plus strand). Cytogenetic location: Xq26.3.
Variant type: single nucleotide variant.
Coding change: c.574G>T on transcript NM_001379110.1 (MANE Select); coding-DNA position 574, G replaced by T.
Protein change: p.Ala192Ser; replaces alanine 192 with serine.
Molecular consequence: missense variant.
Genome position (GRCh38, 1-based): chrX:135,998,905, G>T. VCF-style: chrX-135998905-G-T. GRCh37 (hg19) VCF-style: chrX-135081064-G-T.
Other names: c.730G>T, p.Ala244Ser (NM_001042537.2); c.574G>T, p.Ala192Ser (NM_001177651.2); c.478G>T, p.Ala160Ser (NM_001330652.2); c.634G>T, p.Ala212Ser (NM_006359.3); short protein forms A160S, A192S, A212S, A244S.
Identifiers: ClinVar variation 1310457 (VCV001310457.5), dbSNP rs2089542923, ClinGen allele CA414750168.